The following is an entry in ClinVar:

NM_001376.5(DYNC1H1):c.6739G>A (p.Val2247Met)

Gene: DYNC1H1 (dynein cytoplasmic 1 heavy chain 1; plus strand). Cytogenetic location: 14q32.31.
Variant type: single nucleotide variant.
Coding change: c.6739G>A on transcript NM_001376.5 (MANE Select); coding-DNA position 6739, G replaced by A.
Protein change: p.Val2247Met; replaces valine 2247 with methionine.
Molecular consequence: missense variant.
Genome position (GRCh38, 1-based): chr14:102,011,995, G>A. VCF-style: chr14-102011995-G-A. GRCh37 (hg19) VCF-style: chr14-102478332-G-A.
Other names: short protein forms V2247M.
Identifiers: ClinVar variation 424427 (VCV000424427.9), dbSNP rs1064796963, ClinGen allele CA16619827.

ClinVar aggregate classification (germline): Uncertain significance. Review status: criteria provided, multiple submitters, no conflicts (2 of 4 stars). 4 submissions from 4 submitters: Uncertain significance (4). Last evaluated 2026-09-01.

Conditions:
DYNC1H1-related disorder. Also called: DYNC1H1-related disorders; DYNC1H1-related condition. Identifiers: MedGen CN381529.
Inborn genetic diseases. Identifiers: MedGen C0950123, MeSH D030342.
Charcot-Marie-Tooth disease axonal type 2O. Also called: Charcot-Marie-Tooth Neuropathy Type 2O; CHARCOT-MARIE-TOOTH NEUROPATHY, AXONAL, TYPE 2O; CHARCOT-MARIE-TOOTH DISEASE, AXONAL, AUTOSOMAL DOMINANT, TYPE 2O; Charcot-Marie-Tooth disease, axonal, type 20. Identifiers: Orphanet 284232, MedGen C3280220, MONDO:0013644, OMIM 614228.

Allele frequency attached by ClinVar (database versions not stated): gnomAD exomes below 0.00001; gnomAD 0.00001; TOPMed 0.00001.
gnomAD v4.1: 4 of 1,614,056 alleles (0.00025%); highest among the groups gnomAD compares: Non-Finnish European, 0.00034%; no homozygotes.

Submissions (4):

PreventionGenetics, part of Exact Sciences
Classification: Uncertain significance for DYNC1H1-related condition. Last evaluated: 2026-09-01. Review status: criteria provided, single submitter. Criteria: ACMG Guidelines, 2015. Collection method: clinical testing. Allele origin: germline.
Comment: The DYNC1H1 c.6739G>A variant is predicted to result in the amino acid substitution p.Val2247Met. To our knowledge, this variant has not been reported in the literature. This variant is reported in 0.00088% of alleles in individuals of European (Non-Finnish) descent in gnomAD. At this time, the clinical significance of this variant is uncertain due to the absence of conclusive functional and genetic evidence.

Labcorp Genetics (formerly Invitae), Labcorp
Classification: Uncertain significance for Charcot-Marie-Tooth disease axonal type 2O. Last evaluated: 2024-02-02. Review status: criteria provided, single submitter. Criteria: Invitae Variant Classification Sherloc (09022015). Collection method: clinical testing. Allele origin: germline.
Comment: This sequence change replaces valine, which is neutral and non-polar, with methionine, which is neutral and non-polar, at codon 2247 of the DYNC1H1 protein (p.Val2247Met). This variant is present in population databases (no rsID available, gnomAD 0.0009%). This variant has not been reported in the literature in individuals affected with DYNC1H1-related conditions. ClinVar contains an entry for this variant (Variation ID: 424427). Advanced modeling of protein sequence and biophysical properties (such as structural, functional, and spatial information, amino acid conservation, physicochemical variation, residue mobility, and thermodynamic stability) performed at Invitae indicates that this missense variant is expected to disrupt DYNC1H1 protein function with a positive predictive value of 80%. In summary, the available evidence is currently insufficient to determine the role of this variant in disease. Therefore, it has been classified as a Variant of Uncertain Significance.

Ambry Genetics
Classification: Uncertain significance for Inborn genetic diseases. Last evaluated: 2024-01-03. Review status: criteria provided, single submitter. Criteria: Ambry Variant Classification Scheme 2023. Collection method: clinical testing. Allele origin: germline.

GeneDx
Classification: Uncertain significance. Last evaluated: 2017-03-20. Review status: criteria provided, single submitter. Criteria: GeneDx Variant Classification (06012015). Collection method: clinical testing. Allele origin: germline. Affected: yes.
Comment: A variant of uncertain significance has been identified in the DYNC1H1 gene. The c.6739 G>A variant has not been published as a pathogenic variant, nor has it been reported as a benign variant to our knowledge. The c.6739 G>A variant is not observed in large population cohorts (Lek et al., 2016; 1000 Genomes Consortium et al., 2015; Exome Variant Server). Several in-silico splice prediction models predict that c.6739 G>A creates cryptic donor sites which may supplant the natural donor site and lead to abnormal gene splicing. However, in the absence of RNA/functional studies, the actual effect of this sequence change in this individual is unknown. If the c.6739 G>A does not affect splicing, it will result in a V2247M missense substitution. The V2247M variant is a conservative amino acid substitution, which is not likely to impact secondary protein structure as these residues share similar properties. This substitution occurs at a position where amino acids with similar properties to Valine are tolerated across species. In silico analysis is inconsistent in its predictions as to whether or not the variant is damaging to the protein structure/function. Therefore, based on the currently available information, it is unclear whether this variant is a pathogenic variant or a rare benign variant.